The following is an entry in ClinVar:

NM_000719.7(CACNA1C):c.5444+739G>A

Genes: CACNA1C (calcium voltage-gated channel subunit alpha1 C; plus strand), CACNA1C-AS1 (CACNA1C antisense RNA 1; minus strand). Cytogenetic location: 12p13.33.
Variant type: single nucleotide variant.
Coding change: c.5444+739G>A on transcript NM_000719.7 (MANE Select); 739 bases into the intron after coding-DNA position 5444, G replaced by A.
Molecular consequence: intron variant. On other transcripts: missense variant (1).
Genome position (GRCh38, 1-based): chr12:2,680,535, G>A. VCF-style: chr12-2680535-G-A. GRCh37 (hg19) VCF-style: chr12-2789701-G-A.
Other names: c.5444+739G>A (NM_001129843.2, NM_001167624.3, NM_001167623.2 and 4 more transcripts); c.5468+739G>A (NM_001129838.2, NM_001129837.2); c.5411+739G>A (NM_001129846.2); c.5435+739G>A (NM_001129844.2); c.5584G>A, p.Glu1862Lys (NM_001167625.2); c.5588+739G>A (NM_199460.4, NM_001129827.2); c.5504+739G>A (NM_001129832.2); c.5528+739G>A (NM_001129831.2); and 4 more; short protein forms E1862K.
Identifiers: ClinVar variation 4074434 (VCV004074434.1).

ClinVar aggregate classification (germline): Uncertain significance (1 of 4 stars; one submission).

Submission:

GeneDx
Classification: Uncertain significance. Last evaluated: 2025-02-07. Review status: criteria provided, single submitter. Criteria: GeneDx Variant Classification Process June 2021. Collection method: clinical testing. Allele origin: germline. Affected: yes.
Comment: Not observed at significant frequency in large population cohorts (gnomAD); In silico analysis indicates that this missense variant does not alter protein structure/function; Has not been previously published as pathogenic or benign to our knowledge; Reported using an alternate transcript of the gene